The following is an entry in ClinVar:

ClinVar aggregate classification (germline): Likely benign. Review status: criteria provided, multiple submitters, no conflicts (2 of 4 stars). 7 submissions from 6 submitters: Likely benign (7). Last evaluated 2025-11-05.

Conditions:
Inborn genetic diseases. Identifiers: MedGen C0950123, MeSH D030342.
Developmental and epileptic encephalopathy, 14 (DEE14). Also called: Early infantile epileptic encephalopathy 14. Identifiers: Orphanet 293181, MedGen C3554195, MONDO:0013989, OMIM 614959.
Autosomal dominant nocturnal frontal lobe epilepsy 5. Also called: CILIARY DYSKINESIA, PRIMARY, 28, WITHOUT SITUS INVERSUS; CILIARY DYSKINESIA, PRIMARY, 28, WITH SITUS INVERSUS; KCNT1-Related Epilepsy; Epilepsy, nocturnal frontal lobe, 5. Identifiers: Orphanet 98784, MedGen C3554306, MONDO:0014002, OMIM 615005.

Allele frequency attached by ClinVar (database versions not stated): gnomAD 0.00006 and 0.00008; gnomAD exomes 0.00007 and 0.00014; TOPMed 0.00008; ExAC 0.00015; ESP Exome Variant Server 0.00015.
gnomAD v4.1: 117 of 1,613,002 alleles (0.0073%); highest among the groups gnomAD compares: Admixed American, 0.055%; 1 homozygote.

Submissions (7):

Labcorp Genetics (formerly Invitae), Labcorp
Classification: Likely benign for Autosomal dominant nocturnal frontal lobe epilepsy 5; Developmental and epileptic encephalopathy, 14. Last evaluated: 2025-11-05. Review status: criteria provided, single submitter. Criteria: Invitae Variant Classification Sherloc (09022015). Collection method: clinical testing. Allele origin: germline.

Blueprint Genetics
Classification: Likely benign. Last evaluated: 2024-09-18. Review status: criteria provided, single submitter. Criteria: ACMG Guidelines, 2015. Collection method: clinical testing. Allele origin: germline.

CeGaT Center for Human Genetics Tuebingen
Classification: Likely benign. Last evaluated: 2022-05-01. Review status: criteria provided, single submitter. Criteria: CeGaT Center For Human Genetics Tuebingen Variant Classification Criteria Version 2. Collection method: clinical testing. Allele origin: germline. Affected: yes. Observed: 2 variant alleles.
Comment: KCNT1: BP4, BP7

Genome-Nilou Lab
Classification: Likely benign for Developmental and epileptic encephalopathy, 14. Last evaluated: 2022-03-15. Review status: criteria provided, single submitter. Criteria: ACMG Guidelines, 2015. Collection method: clinical testing. Allele origin: germline. Affected: no.

Genome-Nilou Lab
Classification: Likely benign for Autosomal dominant nocturnal frontal lobe epilepsy 5. Last evaluated: 2022-03-15. Review status: criteria provided, single submitter. Criteria: ACMG Guidelines, 2015. Collection method: clinical testing. Allele origin: germline. Affected: no.

GeneDx
Classification: Likely benign. Last evaluated: 2021-03-31. Review status: criteria provided, single submitter. Criteria: GeneDx Variant Classification Process June 2021. Collection method: clinical testing. Allele origin: germline. Affected: yes.

Ambry Genetics
Classification: Likely benign for Inborn genetic diseases. Last evaluated: 2017-07-18. Review status: criteria provided, single submitter. Criteria: Ambry Variant Classification Scheme 2023. Collection method: clinical testing. Allele origin: germline.

NM_020822.3(KCNT1):c.1173C>T (p.Asn391=)

Gene: KCNT1 (potassium sodium-activated channel subfamily T member 1; plus strand). Cytogenetic location: 9q34.3.
Variant type: single nucleotide variant.
Coding change: c.1173C>T on transcript NM_020822.3 (MANE Select); coding-DNA position 1173, C replaced by T.
Protein change: p.Asn391=; no amino-acid change (asparagine 391 retained).
Molecular consequence: synonymous variant.
Genome position (GRCh38, 1-based): chr9:135,765,168, C>T. VCF-style: chr9-135765168-C-T. GRCh37 (hg19) VCF-style: chr9-138657014-C-T.
Other names: c.1038C>T, p.Asn346= (NM_001272003.2).
Identifiers: ClinVar variation 384409 (VCV000384409.55), dbSNP rs374015551, ClinGen allele CA5326788.